The following is an entry in ClinVar:

NM_006642.5(SDCCAG8):c.1955A>G (p.His652Arg)

Gene: SDCCAG8 (SHH signaling and ciliogenesis regulator SDCCAG8; plus strand). Cytogenetic location: 1q43.
Variant type: single nucleotide variant.
Coding change: c.1955A>G on transcript NM_006642.5 (MANE Select); coding-DNA position 1955, A replaced by G.
Protein change: p.His652Arg; replaces histidine 652 with arginine.
Molecular consequence: missense variant.
Genome position (GRCh38, 1-based): chr1:243,426,528, A>G. VCF-style: chr1-243426528-A-G. GRCh37 (hg19) VCF-style: chr1-243589830-A-G.
Other names: c.1052A>G, p.His351Arg (NM_001350246.2, NM_001350247.2, NM_001350251.2); c.2051A>G, p.His684Arg (NM_001350248.2); c.1661A>G, p.His554Arg (NM_001350249.2); short protein forms H652R, H351R, H554R, H684R.
Identifiers: ClinVar variation 1390708 (VCV001390708.9), dbSNP rs746505992, ClinGen allele CA1483783.
Genomic context (GRCh38, chr1:243,426,528, plus strand): 5'-ATGATAAATTGGGAAAGTTACAGAGAAGAAATGAAGAATTGGAGGAACAGTGTGTCCAGC[A>G]TGGGAGAGTACATGAGACGATGAAGCAAAGGTAATCAAGGTTTCATGTCAACTCATGTGC-3'
Protein context (NP_006633.1, residues 642-662): NEELEEQCVQ[His652Arg]GRVHETMKQR

ClinVar aggregate classification (germline): Uncertain significance. Review status: criteria provided, multiple submitters, no conflicts (2 of 4 stars). 2 submissions from 2 submitters: Uncertain significance (2). Last evaluated 2024-05-24.

Conditions:
Senior-Loken syndrome 7 (SLSN7). Identifiers: Orphanet 3156, MedGen C3150877, MONDO:0013326, OMIM 613615.
Bardet-Biedl syndrome 16 (BBS16). Identifiers: Orphanet 110, MedGen C3889474, MONDO:0014444, OMIM 615993.

Allele frequency attached by ClinVar (database versions not stated): gnomAD exomes below 0.00001 and 0.00001; ExAC 0.00001; gnomAD 0.00001; TOPMed 0.00001.
gnomAD v4.1: 16 of 1,613,938 alleles (0.00099%); highest among the groups gnomAD compares: Non-Finnish European, 0.0012%; no homozygotes.

Submissions (2):

Fulgent Genetics
Classification: Uncertain significance for Senior-Loken syndrome 7; Bardet-Biedl syndrome 16. Last evaluated: 2024-05-24. Review status: criteria provided, single submitter. Criteria: ACMG Guidelines, 2015. Collection method: clinical testing. Allele origin: germline.

Labcorp Genetics (formerly Invitae), Labcorp
Classification: Uncertain significance for Bardet-Biedl syndrome 16; Senior-Loken syndrome 7. Last evaluated: 2023-05-15. Review status: criteria provided, single submitter. Criteria: Invitae Variant Classification Sherloc (09022015). Collection method: clinical testing. Allele origin: germline.
Comment: In summary, the available evidence is currently insufficient to determine the role of this variant in disease. Therefore, it has been classified as a Variant of Uncertain Significance. This variant has not been reported in the literature in individuals affected with SDCCAG8-related conditions. ClinVar contains an entry for this variant (Variation ID: 1390708). Advanced modeling of protein sequence and biophysical properties (such as structural, functional, and spatial information, amino acid conservation, physicochemical variation, residue mobility, and thermodynamic stability) performed at Invitae indicates that this missense variant is expected to disrupt SDCCAG8 protein function. This variant is present in population databases (rs746505992, gnomAD no frequency). This sequence change replaces histidine, which is basic and polar, with arginine, which is basic and polar, at codon 652 of the SDCCAG8 protein (p.His652Arg).